The following is an entry in ClinVar:

NM_000038.6(APC):c.8275C>T (p.Arg2759Cys)

Gene: APC (APC regulator of Wnt signaling pathway; plus strand). Cytogenetic location: 5q22.2.
Variant type: single nucleotide variant.
Coding change: c.8275C>T on transcript NM_000038.6 (MANE Select); coding-DNA position 8275, C replaced by T.
Protein change: p.Arg2759Cys; replaces arginine 2759 with cysteine.
Molecular consequence: missense variant.
Genome position (GRCh38, 1-based): chr5:112,843,869, C>T. VCF-style: chr5-112843869-C-T. GRCh37 (hg19) VCF-style: chr5-112179566-C-T.
Other names: c.8275C>T, p.Arg2759Cys (NM_001127510.3, NM_001354895.2); c.8221C>T, p.Arg2741Cys (NM_001127511.3); c.8329C>T, p.Arg2777Cys (NM_001354896.2); c.8305C>T, p.Arg2769Cys (NM_001354897.2); c.8200C>T, p.Arg2734Cys (NM_001354898.2); c.8191C>T, p.Arg2731Cys (NM_001354899.2); c.8152C>T, p.Arg2718Cys (NM_001354900.2); c.8098C>T, p.Arg2700Cys (NM_001354901.2); and 5 more; short protein forms R2741C, R2759C, R2718C, R2777C, R2633C, R2668C, R2731C, R2734C.
Identifiers: ClinVar variation 216185 (VCV000216185.27), dbSNP rs755366812, ClinGen allele CA050370.

ClinVar aggregate classification (germline): Uncertain significance. Review status: criteria provided, multiple submitters, no conflicts (2 of 4 stars). 8 submissions from 8 submitters: Uncertain significance (7). 1 of the submissions does not count toward it. Last evaluated 2025-09-09.

Conditions:
Classic or attenuated familial adenomatous polyposis. Identifiers: MedGen CN372698, MONDO:0021057.
Hereditary cancer-predisposing syndrome. Also called: Hereditary Cancer Syndrome; Hereditary neoplastic syndrome; Neoplastic Syndromes, Hereditary; Tumor predisposition. Identifiers: Orphanet 140162, MedGen C0027672, MeSH D009386, MONDO:0015356.
Familial adenomatous polyposis 1 (FAP1). Also called: FAMILIAL ADENOMATOUS POLYPOSIS 1, ATTENUATED; POLYPOSIS, ADENOMATOUS INTESTINAL. Identifiers: MedGen C2713442, MONDO:0021056, OMIM 175100. Disease mechanism: loss of function.

Allele frequency attached by ClinVar (database versions not stated): gnomAD exomes below 0.00001 and 0.00001; ExAC 0.00002.
gnomAD v4.1: 3 of 1,613,904 alleles (0.00019%); highest among the groups gnomAD compares: East Asian, 0.0022%; no homozygotes.

Submissions (8):

Labcorp Genetics (formerly Invitae), Labcorp
Classification: Uncertain significance for Familial adenomatous polyposis 1. Last evaluated: 2025-09-09. Review status: criteria provided, single submitter. Criteria: Invitae Variant Classification Sherloc (09022015). Collection method: clinical testing. Allele origin: germline.
Comment: This sequence change replaces arginine, which is basic and polar, with cysteine, which is neutral and slightly polar, at codon 2759 of the APC protein (p.Arg2759Cys). This variant is present in population databases (rs755366812, gnomAD 0.006%). This variant has not been reported in the literature in individuals affected with APC-related conditions. ClinVar contains an entry for this variant (Variation ID: 216185). Invitae Evidence Modeling of protein sequence and biophysical properties (such as structural, functional, and spatial information, amino acid conservation, physicochemical variation, residue mobility, and thermodynamic stability) indicates that this missense variant is not expected to disrupt APC protein function with a negative predictive value of 95%. In summary, the available evidence is currently insufficient to determine the role of this variant in disease. Therefore, it has been classified as a Variant of Uncertain Significance.

Ambry Genetics
Classification: Uncertain significance for Hereditary cancer-predisposing syndrome. Last evaluated: 2025-05-16. Review status: criteria provided, single submitter. Criteria: Ambry Variant Classification Scheme 2023. Collection method: clinical testing. Allele origin: germline.
Comment: The p.R2759C variant (also known as c.8275C>T), located in coding exon 15 of the APC gene, results from a C to T substitution at nucleotide position 8275. The arginine at codon 2759 is replaced by cysteine, an amino acid with highly dissimilar properties. This amino acid position is highly conserved in available vertebrate species. In addition, in silico predictors for this gene do not accurately predict pathogenicity. Since supporting evidence is limited at this time, the clinical significance of this alteration remains unclear.

Baylor Genetics
Classification: Uncertain significance for Familial adenomatous polyposis 1. Last evaluated: 2023-09-13. Review status: criteria provided, single submitter. Criteria: ACMG Guidelines, 2015. Collection method: clinical testing. Allele origin: unknown.

All of Us Research Program, National Institutes of Health
Classification: Uncertain significance for Classic or attenuated familial adenomatous polyposis. Last evaluated: 2023-04-03. Review status: criteria provided, single submitter. Criteria: ACMG Guidelines, 2015. Collection method: clinical testing. Allele origin: germline. Inheritance: Autosomal dominant inheritance. Observed: 1 variant allele, 1 heterozygote.
Comment: This missense variant replaces arginine with cysteine at codon 2759 of the APC protein. Computational prediction is inconclusive regarding the impact of this variant on protein structure and function (internally defined REVEL score threshold 0.5 < inconclusive < 0.7, PMID: 27666373). To our knowledge, functional studies have not been reported for this variant. This variant has not been reported in individuals affected with APC-related disorders in the literature. This variant has been identified in 2/251024 chromosomes in the general population by the Genome Aggregation Database (gnomAD). The available evidence is insufficient to determine the role of this variant in disease conclusively. Therefore, this variant is classified as a Variant of Uncertain Significance.

This study involves interpretation of variants in research participants for the purpose of population health screening. Participant phenotype was not available at the time of variant classification. Additional details can be found in publication PMID: 35346344, PMCID: PMC8962531

Color Diagnostics, LLC DBA Color Health
Classification: Uncertain significance for Hereditary cancer-predisposing syndrome. Last evaluated: 2023-03-16. Review status: criteria provided, single submitter. Criteria: ACMG Guidelines, 2015. Collection method: clinical testing. Allele origin: germline.
Comment: This missense variant replaces arginine with cysteine at codon 2759 of the APC protein. Computational prediction is inconclusive regarding the impact of this variant on protein structure and function (internally defined REVEL score threshold 0.5 < inconclusive < 0.7, PMID: 27666373). To our knowledge, functional studies have not been reported for this variant. This variant has not been reported in individuals affected with APC-related disorders in the literature. This variant has been identified in 2/251024 chromosomes in the general population by the Genome Aggregation Database (gnomAD). The available evidence is insufficient to determine the role of this variant in disease conclusively. Therefore, this variant is classified as a Variant of Uncertain Significance.

Myriad Genetics, Inc.
Classification: Uncertain significance for Familial adenomatous polyposis 1. Last evaluated: 2023-02-15. Review status: criteria provided, single submitter. Criteria: Myriad Autosomal Dominant, Autosomal Recessive and X-Linked Classification Criteria (2023). Collection method: clinical testing. Allele origin: unknown.
Comment: This variant is classified as a variant of uncertain significance as there is insufficient evidence to determine its impact on protein function and/or cancer risk.

Mendelics
Classification: Uncertain significance for Familial adenomatous polyposis 1. Last evaluated: 2019-05-28. Review status: criteria provided, single submitter. Criteria: Mendelics Assertion Criteria 2017. Collection method: clinical testing. Allele origin: unknown.

Counsyl
Classification: Uncertain significance for Familial adenomatous polyposis 1. Last evaluated: 2017-05-24. Review status: no assertion criteria provided. Collection method: clinical testing. Allele origin: unknown. Not counted in ClinVar's aggregate classification.